The following is an entry in ClinVar:

ClinVar aggregate classification (germline): Pathogenic (1 of 4 stars; one submission).

Conditions:
Congenital muscular hypertrophy-cerebral syndrome (CDLS2). Also called: Cornelia de Lange syndrome 2; SMC1A-Related Cornelia de Lange Syndrome. Identifiers: Orphanet 199, MedGen C1802395, MONDO:0010370, OMIM 300590.

Submission:

Labcorp Genetics (formerly Invitae), Labcorp
Classification: Pathogenic for Congenital muscular hypertrophy-cerebral syndrome. Last evaluated: 2026-01-01. Review status: criteria provided, single submitter. Criteria: Invitae Variant Classification Sherloc (09022015). Collection method: clinical testing. Allele origin: germline.
Comment: This sequence change creates a premature translational stop signal (p.Glu892*) in the SMC1A gene. It is expected to result in an absent or disrupted protein product. Loss-of-function variants in SMC1A are known to be pathogenic (PMID: 26386245, 27334371, 28166369, 28548707, 31334757). This variant is not present in population databases (gnomAD no frequency). This variant has not been reported in the literature in individuals affected with SMC1A-related conditions. For these reasons, this variant has been classified as Pathogenic.

Literature cited by the submitters: PubMed 26386245; PubMed 27334371; PubMed 28166369; PubMed 28548707; PubMed 31334757.

NM_006306.4(SMC1A):c.2674G>T (p.Glu892Ter)

Gene: SMC1A (structural maintenance of chromosomes 1A; minus strand). Cytogenetic location: Xp11.22.
Variant type: single nucleotide variant.
Coding change: c.2674G>T on transcript NM_006306.4 (MANE Select); coding-DNA position 2674, G replaced by T.
Protein change: p.Glu892Ter; replaces glutamic acid 892 with a stop codon.
Molecular consequence: nonsense.
Genome position (GRCh38, 1-based): chrX:53,396,506, C>A on the plus strand (G>T on the coding strand, the complement: SMC1A is on the minus strand). VCF-style: chrX-53396506-C-A. GRCh37 (hg19) VCF-style: chrX-53423426-C-A.
Other names: c.2608G>T, p.Glu870Ter (NM_001281463.1); short protein forms E870*, E892*.
Identifiers: ClinVar variation 4734566 (VCV004734566.1).